The following is an entry in ClinVar:

ClinVar aggregate classification (germline): Pathogenic/Likely pathogenic. Review status: criteria provided, multiple submitters, no conflicts (2 of 4 stars). 11 submissions from 11 submitters: Pathogenic (3); Likely pathogenic (7). 1 of the submissions does not count toward it. Last evaluated 2026-08-17.

Conditions:
Juvenile myelomonocytic leukemia (JMML). Also called: LEUKEMIA, JUVENILE MYELOMONOCYTIC, SOMATIC. Identifiers: Orphanet 86834, MedGen C0349639, MONDO:0011908, OMIM 607785, HP:0012209.
Neurofibromatosis, type 1 (NF1). Also called: NEUROFIBROMATOSIS, TYPE I, SOMATIC; Peripheral type neurofibromatosis; Neurofibromatosis, type I; VON RECKLINGHAUSEN DISEASE. Identifiers: Orphanet 636, MedGen C0027831, MONDO:0018975, OMIM 162200. Disease mechanism: loss of function.
NF1-related disorder. Also called: NF1-related condition. Identifiers: MedGen CN379171.
Hereditary cancer-predisposing syndrome. Also called: Neoplastic Syndromes, Hereditary; Hereditary neoplastic syndrome; Tumor predisposition; Hereditary Cancer Syndrome. Identifiers: Orphanet 140162, MedGen C0027672, MeSH D009386, MONDO:0015356.
Cardiovascular phenotype. Identifiers: MedGen CN230736.

Allele frequency attached by ClinVar (database versions not stated): TOPMed below 0.00001.

Submissions (11):

GeneDx
Classification: Likely pathogenic. Last evaluated: 2026-08-17. Review status: criteria provided, single submitter. Criteria: GeneDx Variant Classification Process June 2021. Collection method: clinical testing. Allele origin: germline.
Comment: RNA studies demonstrate a damaging effect: loss of in-frame exon 9 (PMID: 32123317; Douben H et al. (2023) Human Mutation.); Not observed at significant frequency in large population cohorts (gnomAD); In silico analysis supports a deleterious effect on splicing; This variant is associated with the following publications: (PMID: 25525159, 34887416, 33804961, 18546366, 37751797, 34663891, Douben2023[Functional study], 32123317, 40225167)

CeGaT Center for Human Genetics Tuebingen
Classification: Likely pathogenic. Last evaluated: 2026-08-01. Review status: criteria provided, single submitter. Criteria: CeGaT Center For Human Genetics Tuebingen Variant Classification Criteria Version 2. Collection method: clinical testing. Allele origin: germline. Affected: yes. Observed: 1 variant allele.
Comment: NF1: PM2, PM6, PS4:Moderate, PVS1:Moderate, PP4

Labcorp Genetics (formerly Invitae), Labcorp
Classification: Pathogenic for Neurofibromatosis, type 1. Last evaluated: 2024-11-27. Review status: criteria provided, single submitter. Criteria: Invitae Variant Classification Sherloc (09022015). Collection method: clinical testing. Allele origin: germline.
Comment: This sequence change falls in intron 9 of the NF1 gene. It does not directly change the encoded amino acid sequence of the NF1 protein. RNA analysis indicates that this variant induces altered splicing and likely results in a shortened protein product. This variant is not present in population databases (gnomAD no frequency). This variant has been observed in individuals with clinical features of neurofibromatosis type 1 (PMID: 18546366; internal data). It has also been observed to segregate with disease in related individuals. ClinVar contains an entry for this variant (Variation ID: 381606). Variants that disrupt the consensus splice site are a relatively common cause of aberrant splicing (PMID: 17576681, 9536098). Studies have shown that this variant results in skipping of exon 9, but is expected to preserve the integrity of the reading-frame (PMID: 18546366, 32123317). For these reasons, this variant has been classified as Pathogenic.

Women's Health and Genetics/Laboratory Corporation of America, LabCorp
Classification: Pathogenic for Neurofibromatosis, type 1. Last evaluated: 2024-10-14. Review status: criteria provided, single submitter. Criteria: LabCorp Variant Classification Summary - May 2015. Collection method: clinical testing. Allele origin: germline.
Comment: Variant summary: NF1 c.1062+3A>G alters a conserved nucleotide located close to a canonical splice site and therefore could affect mRNA splicing, leading to a significantly altered protein sequence. Computational tools predict a significant impact on normal splicing: One predicts the variant abolishes a canonical 5' splicing donor site. One predicts the variant weakens this site. One predicts the variant no significant impact on splicing. Publications report experimental evidence that this variant affects mRNA splicing, resulting in an in-frame deletion (r.889_1062del/p.Lys297_Lys354del; Pros_2008, Wai_2020, Douben_2023). The variant allele was found at a frequency of 3.8e-06 in 265890 control chromosomes (gnomAD). c.1062+3A>G has been reported in the literature in individuals affected with Neurofibromatosis Type 1 (Pros_2008, Martorana_2023, Labcorp (formerly Invitae)), and in one case it was reported as a de novo occurrence. These data indicate that the variant is likely to be associated with disease. The following publications have been ascertained in the context of this evaluation (PMID: 18546366, 32123317, 33804961, 37751797). ClinVar contains an entry for this variant (Variation ID: 381606). Based on the evidence outlined above, the variant was classified as pathogenic.

ARUP Laboratories, Molecular Genetics and Genomics, ARUP Laboratories
Classification: Likely pathogenic. Last evaluated: 2024-07-22. Review status: criteria provided, single submitter. Criteria: ARUP Molecular Germline Variant Investigation Process 2024. Collection method: clinical testing. Allele origin: germline.
Comment: The NF1 c.1062+3A>G variant (rs1057521098; ClinVar ID: 381606) is reported in the literature in an individual affected with a diagnosis or clinical suspicion of neurofibromatosis type 1 (Pros 2008). This variant is absent from the Genome Aggregation Database (v2.1.1), indicating it is not a common polymorphism. This is an intronic variant in a highly conserved nucleotide, and computational analyses (Alamut v.2.11) predict that this variant may impact splicing by weakening the nearby canonical donor splice site. Consistent with predictions, functional analyses indicate this variant leads to skipping of exon 9, resulting in the in-frame deletion of 58 amino acids (Pros 2008, Wai 2020). Other variants impacting this splice donor site (c.1062+1G>A, c.1062+1G>C, and c.1062+2T>C) have also been reported in patients with clinical features of neurofibromatosis type 1 and are considered disease-causing (Ars 2003, Bausch 2007, Upadhyaya 1997). Based on the available information, the c.1062+3A>G variant is considered to be likely pathogenic. References: Ars et al. Recurrent mutations in the NF1 gene are common among neurofibromatosis type 1 patients. J Med Genet. 2003 Jun;40(6):e82. PMID: 12807981. Bausch et al. Germline NF1 mutational spectra and loss-of-heterozygosity analyses in patients with pheochromocytoma and neurofibromatosis type 1. J Clin Endocrinol Metab. 2007 Jul;92(7):2784-92. PMID: 17426081. Pros et al. Nature and mRNA effect of 282 different NF1 point mutations: focus on splicing alterations. Hum Mutat. 2008 Sep;29(9):E173-93. PMID: 18546366. Upadhyaya et al. Six novel mutations in the neurofibromatosis type 1 (NF1) gene. Hum Mutat. 1997;10(3):248-50. PMID: 9298829. Wai HA et al. Blood RNA analysis can increase clinical diagnostic rate and resolve variants of uncertain significance. Genet Med. 2020 Jun;22(6):1005-1014. PMID: 32123317.

Ambry Genetics
Classification: Pathogenic for Cardiovascular phenotype; Hereditary cancer-predisposing syndrome. Last evaluated: 2022-09-14. Review status: criteria provided, single submitter. Criteria: Ambry Variant Classification Scheme 2023. Collection method: clinical testing. Allele origin: germline.
Comment: The c.1062+3A>G intronic variant results from an A to G substitution 3 nucleotides after coding exon 9 in the NF1 gene. This alteration has been detected in multiple individuals with a clinical diagnosis or suspicion of neurofibromatosis type 1 (Pros E et al. Hum Mutat, 2008 Sep;29:E173-93; Ambry internal data). This variant is considered to be rare based on population cohorts in the Genome Aggregation Database (gnomAD). This nucleotide position is well conserved in available vertebrate species. In silico splice site analysis predicts that this alteration will weaken the native splice donor site. RNA studies have demonstrated that this alteration results in skipping of exon 9 (Pros E et al. Hum Mutat, 2008 Sep;29:E173-93; Wai HA et al. Genet Med, 2020 06;22:1005-1014; Ambry internal data). Based on the supporting evidence, this alteration is interpreted as a disease-causing mutation.

Medical Genetics, University of Parma
Classification: Likely pathogenic for Neurofibromatosis, type 1. Last evaluated: 2022-08-17. Review status: criteria provided, single submitter. Criteria: ACMG Guidelines, 2015. Collection method: clinical testing. Allele origin: germline. Inheritance: Autosomal dominant inheritance. Affected: yes.

Genome-Nilou Lab
Classification: Likely pathogenic for Neurofibromatosis, type 1. Last evaluated: 2022-03-15. Review status: criteria provided, single submitter. Criteria: ACMG Guidelines, 2015. Collection method: clinical testing. Allele origin: germline. Affected: no.

Baylor Genetics
Classification: Likely pathogenic for Juvenile myelomonocytic leukemia. Last evaluated: 2021-02-10. Review status: criteria provided, single submitter. Criteria: ACMG Guidelines, 2015. Collection method: clinical testing. Allele origin: unknown.

Blueprint Genetics
Classification: Likely pathogenic for NF1-related disorders. Last evaluated: 2020-09-04. Review status: criteria provided, single submitter. Criteria: ACMG Guidelines, 2015. Collection method: clinical testing. Allele origin: germline. Affected: yes. Observed: 1 variant allele.

Clinical Molecular Genetics Laboratory, Johns Hopkins All Children's Hospital
Classification: Uncertain significance for Neurofibromatosis, type 1. Last evaluated: 2016-06-03. Review status: no assertion criteria provided. Collection method: clinical testing. Allele origin: germline. Affected: yes. Not counted in ClinVar's aggregate classification.

Literature cited by the submitters: PubMed 18546366 (cited by Labcorp Genetics (formerly Invitae), Labcorp and Women's Health and Genetics/Laboratory Corporation of America, LabCorp); PubMed 17576681 (cited by Labcorp Genetics (formerly Invitae), Labcorp); PubMed 9536098 (cited by Labcorp Genetics (formerly Invitae), Labcorp); PubMed 32123317 (cited by Labcorp Genetics (formerly Invitae), Labcorp and Women's Health and Genetics/Laboratory Corporation of America, LabCorp); PubMed 33804961 (cited by Women's Health and Genetics/Laboratory Corporation of America, LabCorp); PubMed 37751797 (cited by Women's Health and Genetics/Laboratory Corporation of America, LabCorp).

NM_001042492.3(NF1):c.1062+3A>G

Gene: NF1 (neurofibromin 1; plus strand). Cytogenetic location: 17q11.2.
Variant type: single nucleotide variant.
Coding change: c.1062+3A>G on transcript NM_001042492.3 (MANE Select); 3 bases into the intron after coding-DNA position 1062, A replaced by G.
Molecular consequence: intron variant.
Genome position (GRCh38, 1-based): chr17:31,200,598, A>G. VCF-style: chr17-31200598-A-G. GRCh37 (hg19) VCF-style: chr17-29527616-A-G.
Other names: c.1062+3A>G (NM_000267.4, NM_001128147.3).
Identifiers: ClinVar variation 381606 (VCV000381606.22), dbSNP rs1057521098, ClinGen allele CA16608391.